The following is an entry in ClinVar:

ClinVar aggregate classification (germline): Pathogenic (1 of 4 stars; one submission).

Submission:

GeneDx
Classification: Pathogenic. Last evaluated: 2020-03-24. Review status: criteria provided, single submitter. Criteria: GeneDx Variant Classification Process June 2021. Collection method: clinical testing. Allele origin: germline. Affected: yes.
Comment: Frameshift variant predicted to result in protein truncation, as the last 865 amino acids are replaced with 106 different amino acids, and other loss-of-function variants have been reported downstream in the Human Gene Mutation Database (Stenson et al., 2014); Not observed in large population cohorts (Lek et al., 2016); Has not been previously published as pathogenic or benign to our knowledge

NM_006662.3(SRCAP):c.7096_7102del (p.Ala2366fs)

Gene: SRCAP (Snf2 related CREBBP activator protein; plus strand). Cytogenetic location: 16p11.2.
Variant type: Deletion.
Coding change: c.7096_7102del on transcript NM_006662.3 (MANE Select); coding-DNA positions 7096 to 7102, 7 bases deleted (GCTGGGG; older notation c.7096_7102delGCTGGGG).
Protein change: p.Ala2366fs; shifts the reading frame from alanine 2366.
Molecular consequence: frameshift variant.
Genome position (GRCh38, 1-based): chr16:30,737,136-30,737,142, GCTGGGG deleted; deleting any 7 consecutive bases within chr16:30,737,132-30,737,142 gives the same sequence; the c. name uses the placement nearest the transcript's 3' end. VCF-style (leftmost placement, unchanged base first): chr16-30737131-CGGGGGCT-C. GRCh37 (hg19) VCF-style: chr16-30748452-CGGGGGCT-C.
Other names: c.7096_7102delGCTGGGG (NM_006662.2); short protein forms A2366fs.
Identifiers: ClinVar variation 523967 (VCV000523967.3), dbSNP rs1555465917, ClinGen allele CA658798594.